The following is an entry in ClinVar:

ClinVar aggregate classification (germline): Likely benign. Review status: criteria provided, single submitter (1 of 4 stars). 2 submissions from 2 submitters: Likely benign (1). 1 of the submissions does not count toward it. Last evaluated 2025-10-02.

Conditions:
Kabuki syndrome. Also called: NIIKAWA-KUROKI SYNDROME; Kabuki make-up syndrome. Identifiers: Orphanet 2322, MedGen C0796004, MONDO:0016512.
KMT2D-related disorder. Also called: KMT2D-Related Disorders.

Allele frequency attached by ClinVar (database versions not stated): ExAC 0.00001; gnomAD 0.00001; TOPMed 0.00003.
gnomAD v4.1: 62 of 1,527,904 alleles (0.0041%); highest among the groups gnomAD compares: Non-Finnish European, 0.0051%; no homozygotes.

Submissions (2):

Labcorp Genetics (formerly Invitae), Labcorp
Classification: Likely benign for Kabuki syndrome. Last evaluated: 2025-10-02. Review status: criteria provided, single submitter. Criteria: Invitae Variant Classification Sherloc (09022015). Collection method: clinical testing. Allele origin: germline.

PreventionGenetics, part of Exact Sciences
Classification: Likely benign for KMT2D-related condition. Last evaluated: 2022-05-04. Review status: no assertion criteria provided. Collection method: clinical testing. Allele origin: germline. Not counted in ClinVar's aggregate classification.
Comment: This variant is classified as likely benign based on ACMG/AMP sequence variant interpretation guidelines (Richards et al. 2015 PMID: 25741868, with internal and published modifications).

NM_003482.4(KMT2D):c.2445G>C (p.Leu815=)

Gene: KMT2D (lysine methyltransferase 2D; minus strand). Cytogenetic location: 12q13.12.
Variant type: single nucleotide variant.
Coding change: c.2445G>C on transcript NM_003482.4 (MANE Select); coding-DNA position 2445, G replaced by C.
Protein change: p.Leu815=; no amino-acid change (leucine 815 retained).
Molecular consequence: synonymous variant.
Genome position (GRCh38, 1-based): chr12:49,051,238, C>G on the plus strand (G>C on the coding strand, the complement: KMT2D is on the minus strand). VCF-style: chr12-49051238-C-G. GRCh37 (hg19) VCF-style: chr12-49445021-C-G.
Identifiers: ClinVar variation 1973787 (VCV001973787.7), dbSNP rs764773203, ClinGen allele CA6548257.